The following is an entry in ClinVar:

ClinVar aggregate classification (germline): Benign. Review status: criteria provided, multiple submitters, no conflicts (2 of 4 stars). 11 submissions from 11 submitters: Benign (9). 2 of the submissions do not count toward it. Last evaluated 2026-02-03.

Conditions:
Autosomal recessive nonsyndromic hearing loss 30. Identifiers: Orphanet 90636, MedGen C1846784, MONDO:0011774, OMIM 607101.

Allele frequency attached by ClinVar (database versions not stated): 1000 Genomes Project 30x 0.39585; 1000 Genomes Project 0.39637; TOPMed 0.45121; gnomAD 0.47554 and 0.47630; gnomAD exomes 0.47844 and 0.52416; ExAC 0.48439; ESP Exome Variant Server 0.48801.
gnomAD v4.1: 788,568 of 1,519,798 alleles (52%); highest among the groups gnomAD compares: Middle Eastern, 56%; 209,500 homozygotes.

Submissions (11):

Labcorp Genetics (formerly Invitae), Labcorp
Classification: Benign. Last evaluated: 2026-02-03. Review status: criteria provided, single submitter. Criteria: Invitae Variant Classification Sherloc (09022015). Collection method: clinical testing. Allele origin: germline.

Blueprint Genetics
Classification: Benign. Last evaluated: 2024-11-27. Review status: criteria provided, single submitter. Criteria: ACMG Guidelines, 2015. Collection method: clinical testing. Allele origin: germline.

Genome-Nilou Lab
Classification: Benign for Autosomal recessive nonsyndromic hearing loss 30. Last evaluated: 2021-09-05. Review status: criteria provided, single submitter. Criteria: ACMG Guidelines, 2015. Collection method: clinical testing. Allele origin: germline. Affected: no.

Mayo Clinic Laboratories, Mayo Clinic
Classification: Benign. Last evaluated: 2020-08-26. Review status: criteria provided, single submitter. Criteria: ACMG Guidelines, 2015. Collection method: clinical testing. Allele origin: germline. Observed: 122 variant alleles.

Illumina Laboratory Services, Illumina
Classification: Benign for Autosomal recessive nonsyndromic hearing loss 30. Last evaluated: 2018-01-13. Review status: criteria provided, single submitter. Criteria: ICSL Variant Classification Criteria 13 December 2019. Collection method: clinical testing. Allele origin: germline.
Comment: This variant was observed in the ICSL laboratory as part of a predisposition screen in an ostensibly healthy population. It had not been previously curated by ICSL or reported in the Human Gene Mutation Database (HGMD: prior to June 1st, 2018), and was therefore a candidate for classification through an automated scoring system. Utilizing variant allele frequency, disease prevalence and penetrance estimates, and inheritance mode, an automated score was calculated to assess if this variant is too frequent to cause the disease. Based on the score and internal cut-off values, a variant classified as benign is not then subjected to further curation. The score for this variant resulted in a classification of benign for this disease.

GeneDx
Classification: Benign. Last evaluated: 2017-05-09. Review status: criteria provided, single submitter. Criteria: GeneDx Variant Classification (06012015). Collection method: clinical testing. Allele origin: germline. Affected: yes.
Comment: This variant is considered likely benign or benign based on one or more of the following criteria: it is a conservative change, it occurs at a poorly conserved position in the protein, it is predicted to be benign by multiple in silico algorithms, and/or has population frequency not consistent with disease.

Laboratory for Molecular Medicine, Mass General Brigham Personalized Medicine
Classification: Benign. Last evaluated: 2012-05-07. Review status: criteria provided, single submitter. Criteria: LMM Criteria. Collection method: clinical testing. Allele origin: germline. Observed: 1,043 variant alleles.
Comment: 1170+7C>T in Intron 12 of MYO3A: This variant is not expected to have clinical s ignificance because it is not located within the conserved splice consensus sequ ence and has been identified in 45.0% (3162/7020) of European American chromosom es from a broad population by the NHLBI Exome Sequencing Project (.; dbSNP rs3817419).

Breakthrough Genomics
Classification: Benign. Review status: criteria provided, single submitter. Criteria: ACMG Guidelines, 2015. Collection method: not provided. Allele origin: germline. Inheritance: Autosomal recessive inheritance. Affected: yes.

PreventionGenetics, part of Exact Sciences
Classification: Benign. Review status: criteria provided, single submitter. Criteria: ACMG Guidelines, 2015. Collection method: clinical testing. Allele origin: germline.

Diagnostic Laboratory, Department of Genetics, University Medical Center Groningen
Classification: Benign. Review status: no assertion criteria provided. Collection method: clinical testing. Allele origin: germline. Affected: yes. Study: VKGL Data-share Consensus. Not counted in ClinVar's aggregate classification.

Joint Genome Diagnostic Labs from Nijmegen and Maastricht, Radboudumc and MUMC+
Classification: Benign. Review status: no assertion criteria provided. Collection method: clinical testing. Allele origin: germline. Affected: yes. Study: VKGL Data-share Consensus. Not counted in ClinVar's aggregate classification.

NM_017433.5(MYO3A):c.1170+7C>T

Gene: MYO3A (myosin IIIA; plus strand). Cytogenetic location: 10p12.1.
Variant type: single nucleotide variant.
Coding change: c.1170+7C>T on transcript NM_017433.5 (MANE Select); 7 bases into the intron after coding-DNA position 1170, C replaced by T.
Molecular consequence: intron variant.
Genome position (GRCh38, 1-based): chr10:26,068,891, C>T. VCF-style: chr10-26068891-C-T. GRCh37 (hg19) VCF-style: chr10-26357820-C-T.
Other names: p.?.
Identifiers: ClinVar variation 45798 (VCV000045798.27), dbSNP rs3817419, ClinGen allele CA137060.